The following is an entry in ClinVar:

ClinVar aggregate classification (germline): Uncertain significance. Review status: criteria provided, multiple submitters, no conflicts (2 of 4 stars). 2 submissions from 2 submitters: Uncertain significance (2). Last evaluated 2024-07-21.

Conditions:
Dilated cardiomyopathy 1JJ (CMD1JJ). Identifiers: Orphanet 154, MedGen C3808935, MONDO:0014095, OMIM 615235.
Cardiovascular phenotype. Identifiers: MedGen CN230736.

Allele frequency attached by ClinVar (database versions not stated): gnomAD exomes below 0.00001; TOPMed 0.00001.
gnomAD v4.1: 3 of 1,614,046 alleles (0.00019%); highest among the groups gnomAD compares: African/African-American, 0.004%; no homozygotes.

Submissions (2):

Labcorp Genetics (formerly Invitae), Labcorp
Classification: Uncertain significance for Dilated cardiomyopathy 1JJ. Last evaluated: 2024-07-21. Review status: criteria provided, single submitter. Criteria: Invitae Variant Classification Sherloc (09022015). Collection method: clinical testing. Allele origin: germline.
Comment: This sequence change replaces lysine, which is basic and polar, with arginine, which is basic and polar, at codon 698 of the LAMA4 protein (p.Lys698Arg). This variant is not present in population databases (gnomAD no frequency). This variant has not been reported in the literature in individuals affected with LAMA4-related conditions. ClinVar contains an entry for this variant (Variation ID: 1363049). An algorithm developed to predict the effect of missense changes on protein structure and function (PolyPhen-2) suggests that this variant is likely to be disruptive. In summary, the available evidence is currently insufficient to determine the role of this variant in disease. Therefore, it has been classified as a Variant of Uncertain Significance.

Ambry Genetics
Classification: Uncertain significance for Cardiovascular phenotype. Last evaluated: 2023-05-27. Review status: criteria provided, single submitter. Criteria: Ambry Variant Classification Scheme 2023. Collection method: clinical testing. Allele origin: germline.
Comment: The p.K698R variant (also known as c.2093A>G), located in coding exon 16 of the LAMA4 gene, results from an A to G substitution at nucleotide position 2093. The lysine at codon 698 is replaced by arginine, an amino acid with highly similar properties. This amino acid position is conserved. In addition, this alteration is predicted to be tolerated by in silico analysis. Since supporting evidence is limited at this time, the clinical significance of this alteration remains unclear.

NM_001105206.3(LAMA4):c.2114A>G (p.Lys705Arg)

Gene: LAMA4 (laminin subunit alpha 4; minus strand). Cytogenetic location: 6q21.
Variant type: single nucleotide variant.
Coding change: c.2114A>G on transcript NM_001105206.3 (MANE Select); coding-DNA position 2114, A replaced by G.
Protein change: p.Lys705Arg; replaces lysine 705 with arginine.
Molecular consequence: missense variant.
Genome position (GRCh38, 1-based): chr6:112,150,570, T>C on the plus strand (A>G on the coding strand, the complement: LAMA4 is on the minus strand). VCF-style: chr6-112150570-T-C. GRCh37 (hg19) VCF-style: chr6-112471772-T-C.
Other names: c.2093A>G (NM_002290.3); c.2093A>G, p.Lys698Arg (NM_001105207.3, NM_002290.5); short protein forms K698R, K705R.
Identifiers: ClinVar variation 1363049 (VCV001363049.9), dbSNP rs1780338421, ClinGen allele CA365363174.
Genomic context (GRCh38, chr6:112,150,570, plus strand): 5'-CCTCTCTCTGCTGCTTGTAGTTGCTTAACGGCATCACTGAGTCTGGTTTTAAGGGCACTT[T>C]TCCTTGCTAGGGCTCCACCCACACGCCTGCTAGTGTCAGCCACTGCTTCATCACTGCCTG-3'
Protein context (NP_001098676.2, residues 695-715): SRRVGGALAR[Lys705Arg]SALKTRLSDA